The following is an entry in ClinVar:

ClinVar aggregate classification (germline): Likely pathogenic (1 of 4 stars; one submission).

Conditions:
Autosomal recessive nonsyndromic hearing loss 1A (DFNB1A). Also called: Nonsyndromic Hearing Loss and Deafness, DFNB1; GJB6-Related DFNB 1 Nonsyndromic Hearing Loss and Deafness; Deafness, autosomal recessive 1A; Connexin 26 deafness; Deafness nonsyndromic, Connexin 26 linked; GJB2-Related Autosomal Recessive Nonsyndromic Hearing Loss. Identifiers: Orphanet 90636, MedGen C2673759, MONDO:0009076, OMIM 220290.

Submission:

Juno Genomics, Hangzhou Juno Genomics, Inc
Classification: Likely pathogenic for Autosomal recessive nonsyndromic hearing loss 1A. Review status: criteria provided, single submitter. Criteria: ACMG Guidelines, 2015. Collection method: clinical testing. Allele origin: germline. Affected: yes.
Comment: Absent from controls (or at extremely low frequency if recessive) in Genome Aggregation Database.;Null variant in a gene where loss of function (LOF) is a known mechanism of disease.

NM_004004.6(GJB2):c.313_325del (p.Lys105fs)

Gene: GJB2 (gap junction protein beta 2; minus strand). Cytogenetic location: 13q12.11.
Variant type: Deletion.
Coding change: c.313_325del on transcript NM_004004.6 (MANE Select); coding-DNA positions 313 to 325, 13 bases deleted (AAGTTCATCAAGG).
Protein change: p.Lys105fs; shifts the reading frame from lysine 105.
Molecular consequence: frameshift variant.
Genome position (GRCh38, 1-based): chr13:20,189,257-20,189,269, CCTTGATGAACTT deleted on the plus strand (AAGTTCATCAAGG on the coding strand, the reverse complement: GJB2 is on the minus strand); deleting any 13 consecutive bases within chr13:20,189,257-20,189,272 gives the same sequence; the c. name uses the placement nearest the transcript's 3' end. VCF-style (leftmost placement, unchanged base first): chr13-20189256-CCCTTGATGAACTT-C. GRCh37 (hg19) VCF-style: chr13-20763395-CCCTTGATGAACTT-C.
Other names: short protein forms K105fs.
Identifiers: ClinVar variation 5018961 (VCV005018961.1).